The following is an entry in ClinVar:

ClinVar aggregate classification (germline): Pathogenic. Review status: criteria provided, single submitter (1 of 4 stars). 2 submissions from 2 submitters: Pathogenic (1). 1 of the submissions does not count toward it. Last evaluated 2014-04-22.

Conditions:
CDKL5-related disorder.

Submissions (2):

GeneDx
Classification: Pathogenic. Last evaluated: 2014-04-22. Review status: criteria provided, single submitter. Criteria: GeneDx Variant Classification (06012015). Collection method: clinical testing. Allele origin: germline. Affected: yes.
Comment: The c.2469delC mutation in the CDKL5 gene causes a frameshift starting with codon Glutamic acid 824, changes this amino acid to an Arginine residue and creates a premature Stop codon at position 13 of the new reading frame, denoted p.Glu824ArgfsX13. This mutation is predicted to cause loss of normal protein function either through protein truncation or nonsense-mediated mRNA decay. The variant is found in INFANT-EPI panel(s).

PreventionGenetics, part of Exact Sciences
Classification: Pathogenic for CDKL5-related condition. Last evaluated: 2023-12-13. Review status: no assertion criteria provided. Collection method: clinical testing. Allele origin: germline. Not counted in ClinVar's aggregate classification.
Comment: The CDKL5 c.2469delC variant is predicted to result in a frameshift and premature protein termination (p.Glu824Argfs*13). This variant was reported in an individual with epilepsy and/or neurodevelopmental disorders (Lindy et al 2018. PubMed ID: 29655203). This variant has not been reported in a large population database, indicating this variant is rare. Frameshift variants in CDKL5 are expected to be pathogenic. This variant is interpreted as pathogenic.

NM_001323289.2(CDKL5):c.2469del (p.Glu824fs)

Gene: CDKL5 (cyclin dependent kinase like 5; plus strand). Cytogenetic location: Xp22.13.
Variant type: Deletion.
Coding change: c.2469del on transcript NM_001323289.2 (MANE Select); coding-DNA position 2469, one base deleted (C; older notation c.2469delC).
Protein change: p.Glu824fs; shifts the reading frame from glutamic acid 824.
Molecular consequence: frameshift variant.
Genome position (GRCh38, 1-based): chrX:18,625,220, C deleted; the last of 4 consecutive C bases (chrX:18,625,217-18,625,220); deleting any one gives the same sequence. VCF-style (leftmost placement, unchanged base first): chrX-18625216-GC-G. GRCh37 (hg19) VCF-style: chrX-18643336-GC-G.
Other names: c.2469del, p.Glu824fs (NM_001037343.2, NM_003159.3); c.2469delC (NM_003159.2); short protein forms E824fs.
Identifiers: ClinVar variation 156652 (VCV000156652.3), dbSNP rs587783124, ClinGen allele CA294690.